The following is an entry in ClinVar:

NM_133259.4(LRPPRC):c.2039A>T (p.Asp680Val)

Gene: LRPPRC (leucine rich pentatricopeptide repeat containing; minus strand). Cytogenetic location: 2p21.
Variant type: single nucleotide variant.
Coding change: c.2039A>T on transcript NM_133259.4 (MANE Select); coding-DNA position 2039, A replaced by T.
Protein change: p.Asp680Val; replaces aspartic acid 680 with valine.
Molecular consequence: missense variant.
Genome position (GRCh38, 1-based): chr2:43,947,297, T>A on the plus strand (A>T on the coding strand, the complement: LRPPRC is on the minus strand). VCF-style: chr2-43947297-T-A. GRCh37 (hg19) VCF-style: chr2-44174436-T-A.
Other names: p.D680V:GAT>GTT; short protein forms D680V.
Identifiers: ClinVar variation 214609 (VCV000214609.3), dbSNP rs863224056, ClinGen allele CA320315.

ClinVar aggregate classification (germline): Uncertain significance. Review status: criteria provided, single submitter (1 of 4 stars). 2 submissions from 2 submitters: Uncertain significance (1). 1 of the submissions does not count toward it. Last evaluated 2014-12-17.

Conditions:
Congenital lactic acidosis, Saguenay-Lac-Saint-Jean type (MC4DN5). Also called: CYTOCHROME c OXIDASE DEFICIENCY, FRENCH CANADIAN TYPE; COX DEFICIENCY, FRENCH CANADIAN TYPE; MITOCHONDRIAL COMPLEX IV DEFICIENCY, NUCLEAR TYPE 5. Identifiers: Orphanet 70472, MedGen C1857355, MONDO:0009069, OMIM 220111.

Submissions (2):

GeneDx
Classification: Uncertain significance. Last evaluated: 2014-12-17. Review status: criteria provided, single submitter. Criteria: GeneDx Variant Classification (06012015). Collection method: clinical testing. Allele origin: germline. Affected: yes.
Comment: p.Asp680Val (GAT>GTT): c.2039 A>T in exon 20 of the LRPPRC gene (NM_133259.3). The D680V variant has not been published as a mutation, nor has it been reported as a benign polymorphism to our knowledge. The D680V variant is a non-conservative amino acid substitution, which is likely to impact secondary protein structure as these residues differ in polarity, charge, size and/or other properties. This substitution occurs at a position that is moderately conserved across species. In silico analysis predicts this variant likely does not alter the protein structure/function. Therefore, based on the currently available information, it is unclear whether this variant is a pathogenic mutation or a rare benign variant. The variant is found in MITONUC-MITOP panel(s).

Natera, Inc.
Classification: Uncertain significance for French-Canadian type Leigh syndrome. Last evaluated: 2020-10-27. Review status: no assertion criteria provided. Collection method: clinical testing. Allele origin: germline. Not counted in ClinVar's aggregate classification.